The following is an entry in ClinVar:

ClinVar aggregate classification (germline): Uncertain significance (1 of 4 stars; one submission).

Conditions:
Brugada syndrome 4 (BRGDA4). Identifiers: Orphanet 130, MedGen C2678477, MONDO:0012743, OMIM 611876.

Allele frequency attached by ClinVar (database versions not stated): gnomAD exomes below 0.00001.
gnomAD v4.1: 1 of 1,614,048 alleles (0.000062%); highest among the groups gnomAD compares: Non-Finnish European, 0.000085%; no homozygotes.

Submission:

Labcorp Genetics (formerly Invitae), Labcorp
Classification: Uncertain significance for Brugada syndrome 4. Last evaluated: 2023-10-13. Review status: criteria provided, single submitter. Criteria: Invitae Variant Classification Sherloc (09022015). Collection method: clinical testing. Allele origin: germline.
Comment: This sequence change replaces lysine, which is basic and polar, with glutamic acid, which is acidic and polar, at codon 111 of the CACNB2 protein (p.Lys111Glu). This variant is not present in population databases (gnomAD no frequency). This variant has not been reported in the literature in individuals affected with CACNB2-related conditions. Advanced modeling of protein sequence and biophysical properties (such as structural, functional, and spatial information, amino acid conservation, physicochemical variation, residue mobility, and thermodynamic stability) performed at Invitae indicates that this missense variant is expected to disrupt CACNB2 protein function. In summary, the available evidence is currently insufficient to determine the role of this variant in disease. Therefore, it has been classified as a Variant of Uncertain Significance.

NM_201596.3(CACNB2):c.493A>G (p.Lys165Glu)

Gene: CACNB2 (calcium voltage-gated channel auxiliary subunit beta 2; plus strand). Cytogenetic location: 10p12.31.
Variant type: single nucleotide variant.
Coding change: c.493A>G on transcript NM_201596.3 (MANE Select); coding-DNA position 493, A replaced by G.
Protein change: p.Lys165Glu; replaces lysine 165 with glutamic acid.
Molecular consequence: missense variant.
Genome position (GRCh38, 1-based): chr10:18,500,848, A>G. VCF-style: chr10-18500848-A-G. GRCh37 (hg19) VCF-style: chr10-18789777-A-G.
Other names: c.328A>G, p.Lys110Glu (NM_000724.4, NM_001330060.2); c.409A>G, p.Lys137Glu (NM_001167945.2, NM_201571.4, NM_201572.4); c.349A>G, p.Lys117Glu (NM_001410882.1, NM_201570.3); c.331A>G, p.Lys111Glu (NM_201590.3); c.493A>G, p.Lys165Glu (NM_201593.3, NM_201597.3); short protein forms K117E, K137E, K165E, K111E, K110E.
Identifiers: ClinVar variation 2853972 (VCV002853972.3), dbSNP rs1554832153, ClinGen allele CA376057633.